The following is an entry in ClinVar:

NM_015102.5(NPHP4):c.3627C>A (p.Phe1209Leu)

Gene: NPHP4 (nephrocystin 4; minus strand). Cytogenetic location: 1p36.31.
Variant type: single nucleotide variant.
Coding change: c.3627C>A on transcript NM_015102.5 (MANE Select); coding-DNA position 3627, C replaced by A.
Protein change: p.Phe1209Leu; replaces phenylalanine 1209 with leucine.
Molecular consequence: missense variant. On other transcripts: non-coding transcript variant (1).
Genome position (GRCh38, 1-based): chr1:5,866,390, G>T on the plus strand (C>A on the coding strand, the complement: NPHP4 is on the minus strand). VCF-style: chr1-5866390-G-T. GRCh37 (hg19) VCF-style: chr1-5926450-G-T.
Other names: c.2088C>A, p.Phe696Leu (NM_001291593.2); c.2091C>A, p.Phe697Leu (NM_001291594.2); short protein forms F697L, F1209L, F696L.
Identifiers: ClinVar variation 4987413 (VCV004987413.1).

ClinVar aggregate classification (germline): Uncertain significance (1 of 4 stars; one submission).

Conditions:
NPHP4-related disorder. Also called: NPHP4-related condition; NPHP4-related disorders. Identifiers: MedGen CN239384.

gnomAD v4.1: 1 of 1,607,890 alleles (0.000062%); highest among the groups gnomAD compares: Non-Finnish European, 0.000085%; no homozygotes.

Submission:

PreventionGenetics, part of Exact Sciences
Classification: Uncertain significance for NPHP4-related condition. Last evaluated: 2024-10-10. Review status: criteria provided, single submitter. Criteria: ACMG Guidelines, 2015. Collection method: clinical testing. Allele origin: germline.
Comment: The NPHP4 c.3627C>A variant is predicted to result in the amino acid substitution p.Phe1209Leu. To our knowledge, this variant has not been reported in the literature or in a large population database (gnomAD), indicating this variant is rare. At this time, the clinical significance of this variant is uncertain due to the absence of conclusive functional and genetic evidence.